The following is an entry in ClinVar:

ClinVar aggregate classification (germline): Pathogenic/Likely pathogenic. Review status: criteria provided, multiple submitters, no conflicts (2 of 4 stars). 2 submissions from 2 submitters: Pathogenic (1); Likely pathogenic (1). Last evaluated 2023-11-07.

Conditions:
PCDH19-related disorder. Also called: PCDH19-related condition.
Developmental and epileptic encephalopathy, 9 (DEE9). Also called: EPILEPSY, FEMALE-RESTRICTED, WITH MENTAL RETARDATION; Early infantile epileptic encephalopathy 9; PCDH19-Related X-Linked Female-Limited Epilepsy with Mental Retardation; JUBERG-HELLMAN SYNDROME. Identifiers: Orphanet 101039, Orphanet 2076, MedGen C1848137, MONDO:0010246, OMIM 300088. Disease mechanism: loss of function.

Submissions (2):

Labcorp Genetics (formerly Invitae), Labcorp
Classification: Pathogenic for Developmental and epileptic encephalopathy, 9. Last evaluated: 2023-11-07. Review status: criteria provided, single submitter. Criteria: Invitae Variant Classification Sherloc (09022015). Collection method: clinical testing. Allele origin: germline.
Comment: This sequence change creates a premature translational stop signal (p.Tyr399*) in the PCDH19 gene. It is expected to result in an absent or disrupted protein product. Loss-of-function variants in PCDH19 are known to be pathogenic (PMID: 21053371). This variant is not present in population databases (gnomAD no frequency). This premature translational stop signal has been observed in individual(s) with epilepsy (PMID: 28690234). For these reasons, this variant has been classified as Pathogenic.

Blueprint Genetics
Classification: Likely pathogenic for PCDH19-related disorders. Last evaluated: 2018-04-11. Review status: criteria provided, single submitter. Criteria: ACMG Guidelines, 2015. Collection method: clinical testing. Allele origin: germline. Affected: yes. Observed: 2 variant alleles.

Literature cited by the submitters: PubMed 21053371 (cited by Labcorp Genetics (formerly Invitae), Labcorp); PubMed 28690234 (cited by Labcorp Genetics (formerly Invitae), Labcorp).

NM_001184880.2(PCDH19):c.1196_1197del (p.Glu398_Tyr399insTer)

Gene: PCDH19 (protocadherin 19; minus strand). Cytogenetic location: Xq22.1.
Variant type: Microsatellite.
Coding change: c.1196_1197del on transcript NM_001184880.2 (MANE Select); coding-DNA positions 1196 to 1197, 2 bases deleted (AT; older notation c.1196_1197delAT).
Protein change: p.Glu398_Tyr399insTer.
Molecular consequence: nonsense.
Genome position (GRCh38, 1-based): chrX:100,407,401-100,407,402, AT deleted on the plus strand (AT on the coding strand, the reverse complement: PCDH19 is on the minus strand); deleting any 2 consecutive bases within chrX:100,407,401-100,407,404 gives the same sequence; the c. name uses the placement nearest the transcript's 3' end. VCF-style (leftmost placement, unchanged base first): chrX-100407400-CAT-C. GRCh37 (hg19) VCF-style: chrX-99662398-CAT-C.
Other names: c.1196_1197del, p.Glu398_Tyr399insTer (NM_001105243.2, NM_020766.3).
Identifiers: ClinVar variation 2693958 (VCV002693958.4), dbSNP rs2520984807, ClinGen allele CA2697553221.